The following is an entry in ClinVar:

ClinVar aggregate classification (germline): Uncertain significance (1 of 4 stars; one submission).

Allele frequency attached by ClinVar (database versions not stated): gnomAD exomes below 0.00001; gnomAD 0.00001; TOPMed 0.00002.
gnomAD v4.1: 3 of 1,613,636 alleles (0.00019%); highest among the groups gnomAD compares: Admixed American, 0.005%; no homozygotes.

Submission:

Labcorp Genetics (formerly Invitae), Labcorp
Classification: Uncertain significance. Last evaluated: 2022-11-01. Review status: criteria provided, single submitter. Criteria: Invitae Variant Classification Sherloc (09022015). Collection method: clinical testing. Allele origin: germline.
Comment: In summary, the available evidence is currently insufficient to determine the role of this variant in disease. Therefore, it has been classified as a Variant of Uncertain Significance. Advanced modeling of protein sequence and biophysical properties (such as structural, functional, and spatial information, amino acid conservation, physicochemical variation, residue mobility, and thermodynamic stability) performed at Invitae indicates that this missense variant is not expected to disrupt SEMA3A protein function. This variant has not been reported in the literature in individuals affected with SEMA3A-related conditions. This variant is present in population databases (no rsID available, gnomAD 0.006%). This sequence change replaces glutamic acid, which is acidic and polar, with lysine, which is basic and polar, at codon 674 of the SEMA3A protein (p.Glu674Lys).

NM_006080.3(SEMA3A):c.2020G>A (p.Glu674Lys)

Gene: SEMA3A (semaphorin 3A; minus strand). Cytogenetic location: 7q21.11.
Variant type: single nucleotide variant.
Coding change: c.2020G>A on transcript NM_006080.3 (MANE Select); coding-DNA position 2020, G replaced by A.
Protein change: p.Glu674Lys; replaces glutamic acid 674 with lysine.
Molecular consequence: missense variant.
Genome position (GRCh38, 1-based): chr7:83,961,667, C>T on the plus strand (G>A on the coding strand, the complement: SEMA3A is on the minus strand). VCF-style: chr7-83961667-C-T. GRCh37 (hg19) VCF-style: chr7-83590983-C-T.
Other names: short protein forms E674K.
Identifiers: ClinVar variation 1966826 (VCV001966826.5), dbSNP rs1362282906, ClinGen allele CA367944402.